The following is an entry in ClinVar:

NM_015272.5(RPGRIP1L):c.2683+2T>C

Gene: RPGRIP1L (RPGRIP1 like; minus strand). Cytogenetic location: 16q12.2.
Variant type: single nucleotide variant.
Coding change: c.2683+2T>C on transcript NM_015272.5 (MANE Select); the canonical splice donor site of the intron after coding-DNA position 2683, T replaced by C.
Molecular consequence: splice donor variant.
Genome position (GRCh38, 1-based): chr16:53,645,623, A>G on the plus strand (T>C on the coding strand, the complement: RPGRIP1L is on the minus strand). VCF-style: chr16-53645623-A-G. GRCh37 (hg19) VCF-style: chr16-53679535-A-G.
Other names: c.2683+2T>C (NM_001127897.4, NM_001330538.2, NM_001308334.3).
Identifiers: ClinVar variation 2155678 (VCV002155678.5), dbSNP rs2544100125, ClinGen allele CA395914064.

ClinVar aggregate classification (germline): Likely pathogenic. Review status: criteria provided, multiple submitters, no conflicts (2 of 4 stars). 2 submissions from 2 submitters: Likely pathogenic (2). Last evaluated 2024-04-08.

Conditions:
Joubert syndrome. Also called: CEREBELLOPARENCHYMAL DISORDER IV; JOUBERT-BOLTSHAUSER SYNDROME; Familial aplasia of the vermis. Identifiers: Orphanet 475, MedGen C5979921, MONDO:0018772.
Meckel-Gruber syndrome. Also called: DYSENCEPHALIA SPLANCHNOCYSTICA; GRUBER SYNDROME; Dysencephalia splachnocystica. Identifiers: Orphanet 564, MedGen C0265215, MONDO:0018921.
Meckel syndrome, type 5 (MKS5). Identifiers: Orphanet 564, MedGen C1969052, MONDO:0012695, OMIM 611561.
Joubert syndrome 7 (JBTS7). Identifiers: Orphanet 220497, MedGen C1969053, MONDO:0012694, OMIM 611560.
COACH syndrome 3. Identifiers: MedGen C5436841, MONDO:0030862, OMIM 619113.

Allele frequency attached by ClinVar (database versions not stated): gnomAD exomes below 0.00001.
gnomAD v4.1: 4 of 1,612,968 alleles (0.00025%); highest among the groups gnomAD compares: Non-Finnish European, 0.00034%; no homozygotes.

Submissions (2):

Fulgent Genetics
Classification: Likely pathogenic for Joubert syndrome 7; Meckel syndrome, type 5; COACH syndrome 3. Last evaluated: 2024-04-08. Review status: criteria provided, single submitter. Criteria: ACMG Guidelines, 2015. Collection method: clinical testing. Allele origin: germline.

Labcorp Genetics (formerly Invitae), Labcorp
Classification: Likely pathogenic for Joubert syndrome; Meckel-Gruber syndrome. Last evaluated: 2022-02-09. Review status: criteria provided, single submitter. Criteria: Invitae Variant Classification Sherloc (09022015). Collection method: clinical testing. Allele origin: germline.
Comment: This variant is not present in population databases (gnomAD no frequency). In summary, the currently available evidence indicates that the variant is pathogenic, but additional data are needed to prove that conclusively. Therefore, this variant has been classified as Likely Pathogenic. Algorithms developed to predict the effect of sequence changes on RNA splicing suggest that this variant may disrupt the consensus splice site. This variant has not been reported in the literature in individuals affected with RPGRIP1L-related conditions. This sequence change affects a donor splice site in intron 17 of the RPGRIP1L gene. It is expected to disrupt RNA splicing. Variants that disrupt the donor or acceptor splice site typically lead to a loss of protein function (PMID: 16199547), and loss-of-function variants in RPGRIP1L are known to be pathogenic (PMID: 17558409).

Literature cited by the submitters: PubMed 16199547 (cited by Labcorp Genetics (formerly Invitae), Labcorp); PubMed 17558409 (cited by Labcorp Genetics (formerly Invitae), Labcorp).